The following is an entry in ClinVar:

ClinVar aggregate classification (germline): Uncertain significance (1 of 4 stars; one submission).

Allele frequency attached by ClinVar (database versions not stated): ExAC 0.00002; TOPMed 0.00002; gnomAD exomes 0.00003.
gnomAD v4.1: 187 of 1,613,978 alleles (0.012%); highest among the groups gnomAD compares: Non-Finnish European, 0.016%; no homozygotes.

Submission:

Labcorp Genetics (formerly Invitae), Labcorp
Classification: Uncertain significance. Last evaluated: 2025-03-17. Review status: criteria provided, single submitter. Criteria: Invitae Variant Classification Sherloc (09022015). Collection method: clinical testing. Allele origin: germline.
Comment: This sequence change replaces tryptophan, which is neutral and slightly polar, with leucine, which is neutral and non-polar, at codon 202 of the OPN1SW protein (p.Trp202Leu). This variant is present in population databases (rs200180187, gnomAD 0.008%). This variant has not been reported in the literature in individuals affected with OPN1SW-related conditions. ClinVar contains an entry for this variant (Variation ID: 1006508). An algorithm developed to predict the effect of missense changes on protein structure and function (PolyPhen-2) suggests that this variant is likely to be disruptive. In summary, the available evidence is currently insufficient to determine the role of this variant in disease. Therefore, it has been classified as a Variant of Uncertain Significance.

NM_001385125.1(OPN1SW):c.596G>T (p.Trp199Leu)

Gene: OPN1SW (opsin 1, short wave sensitive; minus strand). Cytogenetic location: 7q32.1.
Variant type: single nucleotide variant.
Coding change: c.596G>T on transcript NM_001385125.1 (MANE Select); coding-DNA position 596, G replaced by T.
Protein change: p.Trp199Leu; replaces tryptophan 199 with leucine.
Molecular consequence: missense variant.
Genome position (GRCh38, 1-based): chr7:128,774,580, C>A on the plus strand (G>T on the coding strand, the complement: OPN1SW is on the minus strand). VCF-style: chr7-128774580-C-A. GRCh37 (hg19) VCF-style: chr7-128414634-C-A.
Other names: short protein forms W199L.
Identifiers: ClinVar variation 1006508 (VCV001006508.8), dbSNP rs200180187, ClinGen allele CA4472897.
Genomic context (GRCh38, chr7:128,774,580, plus strand): 5'-TGAGTGTAGGAGAAGCAGATGAGGGAGAGAGGCACAATGAAGCAGAAGATGAAGAGGAAC[C>A]ACGTATAGGACTCGCTGCGGTATTTGGTGCCCACGGTGTACCAGTCAGGGCCACAGGAAC-3'
Protein context (NP_001372054.1, residues 189-209): GTKYRSESYT[Trp199Leu]FLFIFCFIVP